The following is an entry in ClinVar:

NM_000142.5(FGFR3):c.1550A>G (p.Lys517Arg)

Gene: FGFR3 (fibroblast growth factor receptor 3; plus strand). Cytogenetic location: 4p16.3.
Variant type: single nucleotide variant.
Coding change: c.1550A>G on transcript NM_000142.5 (MANE Select); coding-DNA position 1550, A replaced by G.
Protein change: p.Lys517Arg; replaces lysine 517 with arginine.
Molecular consequence: missense variant. On other transcripts: non-coding transcript variant (1).
Genome position (GRCh38, 1-based): chr4:1,805,574, A>G. VCF-style: chr4-1805574-A-G. GRCh37 (hg19) VCF-style: chr4-1807301-A-G.
Other names: c.1556A>G, p.Lys519Arg (NM_001163213.2); c.1553A>G, p.Lys518Arg (NM_001354809.2, NM_001354810.2); c.1214A>G, p.Lys405Arg (NM_022965.4); short protein forms K517R, K519R, K405R, K518R.
Identifiers: ClinVar variation 193974 (VCV000193974.23), dbSNP rs139707740, ClinGen allele CA239727.

ClinVar aggregate classification (germline): Conflicting classifications of pathogenicity. Review status: criteria provided, conflicting classifications (1 of 4 stars). 6 submissions from 6 submitters: Uncertain significance (4); Likely benign (2). Last evaluated 2025-09-30.

Conditions:
Inborn genetic diseases. Identifiers: MedGen C0950123, MeSH D030342.

Allele frequency attached by ClinVar (database versions not stated): ExAC 0.00008; gnomAD 0.00017 and 0.00020; gnomAD exomes 0.00006 and 0.00004; TOPMed 0.00025; ESP Exome Variant Server 0.00038.
gnomAD v4.1: 92 of 1,613,114 alleles (0.0057%); highest among the groups gnomAD compares: African/African-American, 0.072%; no homozygotes.

Submissions (6):

Labcorp Genetics (formerly Invitae), Labcorp
Classification: Likely benign. Last evaluated: 2025-09-30. Review status: criteria provided, single submitter. Criteria: Invitae Variant Classification Sherloc (09022015). Collection method: clinical testing. Allele origin: germline.

Laboratory of Genetics, Children's Clinical University Hospital Latvia
Classification: Likely benign. Last evaluated: 2025-02-16. Review status: criteria provided, single submitter. Criteria: ACMG Guidelines, 2015. Collection method: clinical testing. Allele origin: germline. Affected: yes.

Ambry Genetics
Classification: Uncertain significance for Inborn genetic diseases. Last evaluated: 2022-02-03. Review status: criteria provided, single submitter. Criteria: Ambry Variant Classification Scheme 2023. Collection method: clinical testing. Allele origin: germline.

GeneDx
Classification: Uncertain significance. Last evaluated: 2021-05-05. Review status: criteria provided, single submitter. Criteria: GeneDx Variant Classification Process June 2021. Collection method: clinical testing. Allele origin: germline. Affected: yes.
Comment: In silico analysis supports that this missense variant has a deleterious effect on protein structure/function; Has not been previously published as pathogenic or benign to our knowledge

Revvity Omics, Revvity
Classification: Uncertain significance. Last evaluated: 2020-03-11. Review status: criteria provided, single submitter. Criteria: ACMG Guidelines, 2015. Collection method: clinical testing. Allele origin: germline.

Eurofins Ntd Llc (ga)
Classification: Uncertain significance. Last evaluated: 2015-06-09. Review status: criteria provided, single submitter. Criteria: EGL Classification Definitions 2015. Collection method: clinical testing. Allele origin: germline. Observed: 1 variant allele, 1 heterozygote.